The following is an entry in ClinVar:

ClinVar aggregate classification (germline): Uncertain significance (1 of 4 stars; one submission).

Conditions:
Severe early-onset pulmonary alveolar proteinosis due to MARS deficiency. Also called: PULMONARY ALVEOLAR PROTEINOSIS, REUNION ISLAND; Interstitial lung and liver disease. Identifiers: Orphanet 440427, MedGen C4225400, MONDO:0014206, OMIM 615486.
Charcot-Marie-Tooth disease axonal type 2U. Also called: CHARCOT-MARIE-TOOTH NEUROPATHY, TYPE 2U; CHARCOT-MARIE-TOOTH DISEASE, AXONAL, AUTOSOMAL DOMINANT, TYPE 2U. Identifiers: Orphanet 397735, MedGen C4084821, MONDO:0014566, OMIM 616280.

Allele frequency attached by ClinVar (database versions not stated): gnomAD exomes below 0.00001.
gnomAD v4.1: 1 of 1,614,172 alleles (0.000062%); highest among the groups gnomAD compares: Non-Finnish European, 0.000085%; no homozygotes.

Submission:

Labcorp Genetics (formerly Invitae), Labcorp
Classification: Uncertain significance for Charcot-Marie-Tooth disease axonal type 2U; Severe early-onset pulmonary alveolar proteinosis due to MARS deficiency. Last evaluated: 2022-05-31. Review status: criteria provided, single submitter. Criteria: Invitae Variant Classification Sherloc (09022015). Collection method: clinical testing. Allele origin: germline.
Comment: In summary, the available evidence is currently insufficient to determine the role of this variant in disease. Therefore, it has been classified as a Variant of Uncertain Significance. Variants that disrupt the consensus splice site are a relatively common cause of aberrant splicing (PMID: 17576681, 9536098). Algorithms developed to predict the effect of sequence changes on RNA splicing suggest that this variant may disrupt the consensus splice site. This variant has not been reported in the literature in individuals affected with MARS-related conditions. This variant is not present in population databases (gnomAD no frequency). This sequence change falls in intron 20 of the MARS gene. It does not directly change the encoded amino acid sequence of the MARS protein. It affects a nucleotide within the consensus splice site.

Literature cited by the submitters: PubMed 17576681; PubMed 9536098.

NM_004990.4(MARS1):c.2556+3A>T

Gene: MARS1 (methionyl-tRNA synthetase 1; plus strand). Cytogenetic location: 12q13.3.
Variant type: single nucleotide variant.
Coding change: c.2556+3A>T on transcript NM_004990.4 (MANE Select); 3 bases into the intron after coding-DNA position 2556, A replaced by T.
Molecular consequence: intron variant.
Genome position (GRCh38, 1-based): chr12:57,516,340, A>T. VCF-style: chr12-57516340-A-T. GRCh37 (hg19) VCF-style: chr12-57910123-A-T.
Identifiers: ClinVar variation 2166547 (VCV002166547.4), dbSNP rs2540323018, ClinGen allele CA2580086566.